The following is an entry in ClinVar:

NM_004984.4(KIF5A):c.2282C>G (p.Thr761Ser)

Gene: KIF5A (kinesin family member 5A; plus strand). Cytogenetic location: 12q13.3.
Variant type: single nucleotide variant.
Coding change: c.2282C>G on transcript NM_004984.4 (MANE Select); coding-DNA position 2282, C replaced by G.
Protein change: p.Thr761Ser; replaces threonine 761 with serine.
Molecular consequence: missense variant.
Genome position (GRCh38, 1-based): chr12:57,576,844, C>G. VCF-style: chr12-57576844-C-G. GRCh37 (hg19) VCF-style: chr12-57970627-C-G.
Other names: c.2282C>G (NM_004984.2); c.2015C>G, p.Thr672Ser (NM_001354705.2); short protein forms T761S, T672S.
Identifiers: ClinVar variation 1489948 (VCV001489948.10), dbSNP rs1271325672, ClinGen allele CA385511663.

ClinVar aggregate classification (germline): Uncertain significance. Review status: criteria provided, multiple submitters, no conflicts (2 of 4 stars). 4 submissions from 4 submitters: Uncertain significance (4). Last evaluated 2025-10-23.

Conditions:
Inborn genetic diseases. Identifiers: MedGen C0950123, MeSH D030342.
KIF5A-related disorder. Also called: KIF5A-related disorders; KIF5A-related condition.
Spastic paraplegia. Identifiers: MedGen C0037772, HP:0001258.

Allele frequency attached by ClinVar (database versions not stated): gnomAD exomes 0.00001; gnomAD 0.00002; TOPMed 0.00002.
gnomAD v4.1: 22 of 1,613,424 alleles (0.0014%); highest among the groups gnomAD compares: Non-Finnish European, 0.0017%; no homozygotes.

Submissions (4):

Labcorp Genetics (formerly Invitae), Labcorp
Classification: Uncertain significance for Spastic paraplegia. Last evaluated: 2025-10-23. Review status: criteria provided, single submitter. Criteria: Invitae Variant Classification Sherloc (09022015). Collection method: clinical testing. Allele origin: germline.
Comment: This sequence change replaces threonine, which is neutral and polar, with serine, which is neutral and polar, at codon 761 of the KIF5A protein (p.Thr761Ser). This variant is not present in population databases (gnomAD no frequency). This variant has not been reported in the literature in individuals affected with KIF5A-related conditions. ClinVar contains an entry for this variant (Variation ID: 1489948). Invitae Evidence Modeling of protein sequence and biophysical properties (such as structural, functional, and spatial information, amino acid conservation, physicochemical variation, residue mobility, and thermodynamic stability) indicates that this missense variant is not expected to disrupt KIF5A protein function with a negative predictive value of 95%. In summary, the available evidence is currently insufficient to determine the role of this variant in disease. Therefore, it has been classified as a Variant of Uncertain Significance.

PreventionGenetics, part of Exact Sciences
Classification: Uncertain significance for KIF5A-related condition. Last evaluated: 2025-08-06. Review status: criteria provided, single submitter. Criteria: ACMG Guidelines, 2015. Collection method: clinical testing. Allele origin: germline.
Comment: The KIF5A c.2282C>G variant is predicted to result in the amino acid substitution p.Thr761Ser. To our knowledge, this variant has not been reported in the literature or in a large population database (gnomAD), indicating this variant is rare. At this time, the clinical significance of this variant is uncertain due to the absence of conclusive functional and genetic evidence.

Ambry Genetics
Classification: Uncertain significance for Inborn genetic diseases. Last evaluated: 2025-07-13. Review status: criteria provided, single submitter. Criteria: Ambry Variant Classification Scheme 2023. Collection method: clinical testing. Allele origin: germline.

Athena Diagnostics
Classification: Uncertain significance. Last evaluated: 2023-04-04. Review status: criteria provided, single submitter. Criteria: Athena Diagnostics Criteria. Collection method: clinical testing. Allele origin: unknown.
Comment: Available data are insufficient to determine the clinical significance of the variant at this time. The frequency of this variant in the general population is uninformative in assessment of its pathogenicity. Computational tools predict that this variant is not damaging.